The following is an entry in ClinVar:

ClinVar aggregate classification (germline): Uncertain significance (1 of 4 stars; one submission).

Conditions:
CDKL5-related disorder.

Submission:

PreventionGenetics, part of Exact Sciences
Classification: Uncertain significance for CDKL5-related condition. Last evaluated: 2025-01-17. Review status: criteria provided, single submitter. Criteria: ACMG Guidelines, 2015. Collection method: clinical testing. Allele origin: germline.
Comment: The CDKL5 c.716A>G variant is predicted to result in the amino acid substitution p.Tyr239Cys. To our knowledge, this variant has not been reported in the literature or in a large population database (gnomAD), indicating this variant is rare. At this time, the clinical significance of this variant is uncertain due to the absence of conclusive functional and genetic evidence.

NM_001323289.2(CDKL5):c.716A>G (p.Tyr239Cys)

Gene: CDKL5 (cyclin dependent kinase like 5; plus strand). Cytogenetic location: Xp22.13.
Variant type: single nucleotide variant.
Coding change: c.716A>G on transcript NM_001323289.2 (MANE Select); coding-DNA position 716, A replaced by G.
Protein change: p.Tyr239Cys; replaces tyrosine 239 with cysteine.
Molecular consequence: missense variant.
Genome position (GRCh38, 1-based): chrX:18,588,115, A>G. VCF-style: chrX-18588115-A-G. GRCh37 (hg19) VCF-style: chrX-18606235-A-G.
Other names: c.716A>G, p.Tyr239Cys (NM_001037343.2, NM_003159.3); short protein forms Y239C.
Identifiers: ClinVar variation 5002453 (VCV005002453.1).